The following is an entry in ClinVar:

NM_139215.3(TAF15):c.1407_1430del (p.454GYGGDRGG[3])

Gene: TAF15 (TATA-box binding protein associated factor 15; plus strand). Cytogenetic location: 17q12.
Variant type: Deletion.
Coding change: c.1407_1430del on transcript NM_139215.3 (MANE Select); coding-DNA positions 1407 to 1430, 24 bases deleted (CGGCTATGGAGGAGACCGAGGAGG).
Protein change: p.454GYGGDRGG[3].
Molecular consequence: inframe deletion.
Genome position (GRCh38, 1-based): chr17:35,844,706-35,844,729, CGGCTATGGAGGAGACCGAGGAGG deleted; deleting any 24 consecutive bases within chr17:35,844,699-35,844,729 gives the same sequence; the c. name uses the placement nearest the transcript's 3' end. VCF-style (leftmost placement, unchanged base first): chr17-35844698-AGAGGAGGCGGCTATGGAGGAGACC-A. GRCh37 (hg19) VCF-style: chr17-34171702-AGAGGAGGCGGCTATGGAGGAGACC-A.
Other names: c.1398_1421del, p.451GYGGDRGG[3] (NM_003487.4).
Identifiers: ClinVar variation 2634576 (VCV002634576.1), dbSNP rs767068676, ClinGen allele CA290041414.
Genomic context (GRCh38, chr17:35,844,698, plus strand): 5'-GGTGGAGACAGAAGTGGGGGTGGCTATGGTGGGGACAGAGGCGGCGGCTATGGTGGGGAC[AGAGGAGGCGGCTATGGAGGAGACC>A]GAGGAGGTGGCTATGGAGGAGATCGAGGTGGCTATGGAGGAGACCGAGGTGGAGGCTATG-3'

ClinVar aggregate classification (germline): Uncertain significance (1 of 4 stars; one submission).

Conditions:
TAF15-related disorder. Also called: TAF15-related condition.

Submission:

PreventionGenetics, part of Exact Sciences
Classification: Uncertain significance for TAF15-related condition. Last evaluated: 2022-12-15. Review status: criteria provided, single submitter. Criteria: ACMG Guidelines, 2015. Collection method: clinical testing. Allele origin: germline.
Comment: The TAF15 c.1407_1430del24 variant is predicted to result in an in-frame deletion (p.Gly478_Gly485del). To our knowledge, this variant has not been reported in the literature. Other in-frame deletions and duplications near this region in TAF15 have been reported as commonly occurring variants in gnomAD, and to our knowledge such variants have not been reported in patients with amyotrophic lateral sclerosis (ALS). This variant is reported in 0.020% of alleles in individuals of South Asian descent in gnomAD. Although we suspect that this variant may possibly be benign, at this time its clinical significance is uncertain due to the absence of conclusive functional and genetic evidence.